The following is an entry in ClinVar:

NM_001148.6(ANK2):c.11454C>A (p.Ser3818Arg)

Gene: ANK2 (ankyrin 2; plus strand). Cytogenetic location: 4q26.
Variant type: single nucleotide variant.
Coding change: c.11454C>A on transcript NM_001148.6 (MANE Select); coding-DNA position 11454, C replaced by A.
Protein change: p.Ser3818Arg; replaces serine 3818 with arginine.
Molecular consequence: missense variant.
Genome position (GRCh38, 1-based): chr4:113,369,649, C>A. VCF-style: chr4-113369649-C-A. GRCh37 (hg19) VCF-style: chr4-114290805-C-A.
Other names: c.5172C>A, p.Ser1724Arg (NM_001127493.3); c.5211C>A, p.Ser1737Arg (NM_001354225.2); c.5100C>A, p.Ser1700Arg (NM_001354228.2, NM_001354258.2); c.5178C>A, p.Ser1726Arg (NM_001354230.2); c.5241C>A, p.Ser1747Arg (NM_001354231.2, NM_001354242.2); c.5235C>A, p.Ser1745Arg (NM_001354232.2); c.5196C>A, p.Ser1732Arg (NM_001354235.2, NM_001354246.2, NM_001354265.2); c.5097C>A, p.Ser1699Arg (NM_001354236.2); and 35 more; short protein forms S1638R, S1660R, S1662R, S1667R, S1671R, S1688R, S1690R, S1716R.
Identifiers: ClinVar variation 4712949 (VCV004712949.1).

ClinVar aggregate classification (germline): Uncertain significance (1 of 4 stars; one submission).

Conditions:
Long QT syndrome (LQTS). Identifiers: MedGen C0023976, MeSH D008133, MONDO:0002442. Disease mechanism: loss of function. Inheritance: Various modes of inheritance.

Submission:

Labcorp Genetics (formerly Invitae), Labcorp
Classification: Uncertain significance for Long QT syndrome. Last evaluated: 2025-02-12. Review status: criteria provided, single submitter. Criteria: Invitae Variant Classification Sherloc (09022015). Collection method: clinical testing. Allele origin: germline.
Comment: This sequence change replaces serine, which is neutral and polar, with arginine, which is basic and polar, at codon 3818 of the ANK2 protein (p.Ser3818Arg). This variant is not present in population databases (gnomAD no frequency). This variant has not been reported in the literature in individuals affected with ANK2-related conditions. An algorithm developed to predict the effect of missense changes on protein structure and function outputs the following: PolyPhen-2: "Benign". The arginine amino acid residue is found in multiple mammalian species, which suggests that this missense change does not adversely affect protein function. In summary, the available evidence is currently insufficient to determine the role of this variant in disease. Therefore, it has been classified as a Variant of Uncertain Significance.